The following is an entry in ClinVar:

ClinVar aggregate classification (germline): Uncertain significance (1 of 4 stars; one submission).

Conditions:
Piebaldism. Also called: Piebald skin depigmentation. Identifiers: Orphanet 2884, MedGen C0080024, MONDO:0008244, OMIM 172800, HP:0007544.

Submission:

3billion
Classification: Uncertain significance for Piebaldism. Last evaluated: 2025-11-06. Review status: criteria provided, single submitter. Criteria: ACMG Guidelines, 2015. Collection method: clinical testing. Allele origin: germline. Affected: yes.
Comment: The variant is not observed in the gnomAD v4.1.0 dataset. Predicted Consequence/Location: Missense variant In silico tool predictions suggest damaging effect of the variant on gene or gene product [REVEL: 0.98 (>=0.6, sensitivity 0.68 and specificity 0.92); 3Cnet: 0.96 (> 0.75, sensitivity 0.96 and precision 0.92)]. A different missense change at the same codon (p.Gly812Val) has been reported to be associated with KIT-related disorder (PMID: 7687267). However the evidence of pathogenicity is insufficient at this time. Therefore, this variant is classified as VUS according to the recommendation of ACMG/AMP guideline.

Literature cited by the submitters: PubMed 7687267.

NM_000222.3(KIT):c.2435G>A (p.Gly812Asp)

Gene: KIT (KIT proto-oncogene, receptor tyrosine kinase; plus strand). Cytogenetic location: 4q12.
Variant type: single nucleotide variant.
Coding change: c.2435G>A on transcript NM_000222.3 (MANE Select); coding-DNA position 2435, G replaced by A.
Protein change: p.Gly812Asp; replaces glycine 812 with aspartic acid.
Molecular consequence: missense variant.
Genome position (GRCh38, 1-based): chr4:54,733,143, G>A. VCF-style: chr4-54733143-G-A. GRCh37 (hg19) VCF-style: chr4-55599309-G-A.
Other names: c.2423G>A, p.Gly808Asp (NM_001093772.2, NM_001385292.1); c.2438G>A, p.Gly813Asp (NM_001385284.1); c.2432G>A, p.Gly811Asp (NM_001385285.1); c.2420G>A, p.Gly807Asp (NM_001385286.1); c.2426G>A, p.Gly809Asp (NM_001385288.1); c.2435G>A, p.Gly812Asp (NM_001385290.1); short protein forms G807D, G808D, G809D, G811D, G812D, G813D.
Identifiers: ClinVar variation 4855107 (VCV004855107.1).